The following is an entry in ClinVar:

ClinVar aggregate classification (germline): Uncertain significance (1 of 4 stars; one submission).

Conditions:
Cystic fibrosis (CF). Also called: MUCOVISCIDOSIS. Identifiers: Orphanet 586, MedGen C0010674, MONDO:0009061, OMIM 219700. Disease mechanism: loss of function.

gnomAD v4.1: 1 of 1,614,132 alleles (0.000062%); highest among the groups gnomAD compares: South Asian, 0.0011%; no homozygotes.

Submission:

Ambry Genetics
Classification: Uncertain significance for Cystic fibrosis. Last evaluated: 2025-10-14. Review status: criteria provided, single submitter. Criteria: Ambry Variant Classification Scheme 2023. Collection method: clinical testing. Allele origin: germline.
Comment: The p.V208A variant (also known as c.623T>C), located in coding exon 6 of the CFTR gene, results from a T to C substitution at nucleotide position 623. The valine at codon 208 is replaced by alanine, an amino acid with similar properties. This amino acid position is conserved. In addition, the in silico prediction for this alteration is inconclusive. Based on the available evidence, the clinical significance of this variant remains unclear.

NM_000492.4(CFTR):c.623T>C (p.Val208Ala)

Gene: CFTR (CF transmembrane conductance regulator; plus strand). Cytogenetic location: 7q31.2.
Variant type: single nucleotide variant.
Coding change: c.623T>C on transcript NM_000492.4 (MANE Select); coding-DNA position 623, T replaced by C.
Protein change: p.Val208Ala; replaces valine 208 with alanine.
Molecular consequence: missense variant.
Genome position (GRCh38, 1-based): chr7:117,535,291, T>C. VCF-style: chr7-117535291-T-C. GRCh37 (hg19) VCF-style: chr7-117175345-T-C.
Other names: short protein forms V208A.
Identifiers: ClinVar variation 4648101 (VCV004648101.1).